The following is an entry in ClinVar:

NM_000631.5(NCF4):c.659C>T (p.Pro220Leu)

Gene: NCF4 (neutrophil cytosolic factor 4; plus strand). Cytogenetic location: 22q12.3.
Variant type: single nucleotide variant.
Coding change: c.659C>T on transcript NM_000631.5 (MANE Select); coding-DNA position 659, C replaced by T.
Protein change: p.Pro220Leu; replaces proline 220 with leucine.
Molecular consequence: missense variant.
Genome position (GRCh38, 1-based): chr22:36,875,684, C>T. VCF-style: chr22-36875684-C-T. GRCh37 (hg19) VCF-style: chr22-37271726-C-T.
Other names: c.659C>T, p.Pro220Leu (NM_013416.4); short protein forms P220L.
Identifiers: ClinVar variation 2179348 (VCV002179348.4), dbSNP rs767125572, ClinGen allele CA10213128.

ClinVar aggregate classification (germline): Uncertain significance (1 of 4 stars; one submission).

Conditions:
Granulomatous disease, chronic, autosomal recessive, cytochrome b-positive, type 3. Also called: GRANULOMATOUS DISEASE, CHRONIC, AUTOSOMAL RECESSIVE, 3; CGD, AUTOSOMAL RECESSIVE CYTOCHROME b-POSITIVE, TYPE III; Granulomatous disease, chronic, autosomal recessive, cytochrome b-positive, type III; GRANULOMATOUS DISEASE, CHRONIC, DUE TO NCF4 DEFICIENCY. Identifiers: Orphanet 379, MedGen C3151409, MONDO:0013507, OMIM 613960.

Allele frequency attached by ClinVar (database versions not stated): ExAC 0.00001; gnomAD 0.00001; TOPMed 0.00002.
gnomAD v4.1: 7 of 1,612,850 alleles (0.00043%); highest among the groups gnomAD compares: African/African-American, 0.008%; no homozygotes.

Submission:

Labcorp Genetics (formerly Invitae), Labcorp
Classification: Uncertain significance for Granulomatous disease, chronic, autosomal recessive, cytochrome b-positive, type 3. Last evaluated: 2025-03-03. Review status: criteria provided, single submitter. Criteria: Invitae Variant Classification Sherloc (09022015). Collection method: clinical testing. Allele origin: germline.
Comment: This sequence change replaces proline, which is neutral and non-polar, with leucine, which is neutral and non-polar, at codon 220 of the NCF4 protein (p.Pro220Leu). This variant is present in population databases (rs767125572, gnomAD 0.008%). This variant has not been reported in the literature in individuals affected with NCF4-related conditions. ClinVar contains an entry for this variant (Variation ID: 2179348). An algorithm developed to predict the effect of missense changes on protein structure and function (PolyPhen-2) suggests that this variant is likely to be disruptive. In summary, the available evidence is currently insufficient to determine the role of this variant in disease. Therefore, it has been classified as a Variant of Uncertain Significance.